The following is an entry in ClinVar:

ClinVar aggregate classification (germline): Uncertain significance (1 of 4 stars; one submission).

Conditions:
Cardiovascular phenotype. Identifiers: MedGen CN230736.

Allele frequency attached by ClinVar (database versions not stated): gnomAD exomes below 0.00001.
gnomAD v4.1: 1 of 1,612,290 alleles (0.000062%); highest among the groups gnomAD compares: South Asian, 0.0011%; no homozygotes.

Submission:

Ambry Genetics
Classification: Uncertain significance for Cardiovascular phenotype. Last evaluated: 2023-12-29. Review status: criteria provided, single submitter. Criteria: Ambry Variant Classification Scheme 2023. Collection method: clinical testing. Allele origin: germline.
Comment: The p.A2822T variant (also known as c.8464G>A), located in coding exon 24 of the DSP gene, results from a G to A substitution at nucleotide position 8464. The alanine at codon 2822 is replaced by threonine, an amino acid with similar properties. This amino acid position is conserved. In addition, the in silico prediction for this alteration is inconclusive. Since supporting evidence is limited at this time, the clinical significance of this alteration remains unclear.

NM_004415.4(DSP):c.8464G>A (p.Ala2822Thr)

Gene: DSP (desmoplakin; plus strand). Cytogenetic location: 6p24.3.
Variant type: single nucleotide variant.
Coding change: c.8464G>A on transcript NM_004415.4 (MANE Select); coding-DNA position 8464, G replaced by A.
Protein change: p.Ala2822Thr; replaces alanine 2822 with threonine.
Molecular consequence: missense variant.
Genome position (GRCh38, 1-based): chr6:7,585,726, G>A. VCF-style: chr6-7585726-G-A. GRCh37 (hg19) VCF-style: chr6-7585959-G-A.
Other names: c.6667G>A, p.Ala2223Thr (NM_001008844.3); c.7135G>A, p.Ala2379Thr (NM_001319034.2); short protein forms A2223T, A2379T, A2822T.
Identifiers: ClinVar variation 3224258 (VCV003224258.1), dbSNP rs1361652898, ClinGen allele CA362695203.